The following is an entry in ClinVar:

NM_002474.3(MYH11):c.605A>G (p.His202Arg)

Gene: MYH11 (myosin heavy chain 11; minus strand). Cytogenetic location: 16p13.11.
Variant type: single nucleotide variant.
Coding change: c.605A>G on transcript NM_002474.3 (MANE Select); coding-DNA position 605, A replaced by G.
Protein change: p.His202Arg; replaces histidine 202 with arginine.
Molecular consequence: missense variant.
Genome position (GRCh38, 1-based): chr16:15,786,658, T>C on the plus strand (A>G on the coding strand, the complement: MYH11 is on the minus strand). VCF-style: chr16-15786658-T-C. GRCh37 (hg19) VCF-style: chr16-15880515-T-C.
Other names: c.605A>G, p.His202Arg (NM_001040113.2, NM_001040114.2, NM_022844.3); short protein forms H202R.
Identifiers: ClinVar variation 3387261 (VCV003387261.2).
Genomic context (GRCh38, chr16:15,786,658, plus strand): 5'-ATCATGGCCTCTGATTGGGAACTGCCACTCACCGTGATACTTGTGTCTTTCTTGCCCTTG[T>C]GGGAGGAGGCCACCACGGCCAGGTACTGAATGACCTTCTTGGTGTTTTCGGTTTTCCCGG-3'
Protein context (NP_002465.1, residues 192-212): IQYLAVVASS[His202Arg]KGKKDTSITG

ClinVar aggregate classification (germline): Uncertain significance. Review status: criteria provided, multiple submitters, no conflicts (2 of 4 stars). 2 submissions from 2 submitters: Uncertain significance (2). Last evaluated 2024-04-16.

Conditions:
Familial thoracic aortic aneurysm and aortic dissection (TAAD). Also called: Thoracic aortic aneurysms and dissections. Identifiers: Orphanet 91387, MedGen C4707243, MONDO:0019625.

gnomAD v4.1: 1 of 1,614,060 alleles (0.000062%); highest among the groups gnomAD compares: Admixed American, 0.0017%; no homozygotes.

Submissions (2):

All of Us Research Program, National Institutes of Health
Classification: Uncertain significance for Familial thoracic aortic aneurysm and aortic dissection. Last evaluated: 2024-04-16. Review status: criteria provided, single submitter. Criteria: ACMG Guidelines, 2015. Collection method: clinical testing. Allele origin: germline. Inheritance: Autosomal dominant inheritance. Observed: 1 variant allele, 1 heterozygote.
Comment: This missense variant replaces histidine with arginine at codon 202 of the MYH11 protein. Computational prediction suggests that this variant may have deleterious impact on protein structure and function (internally defined REVEL score threshold >= 0.7, PMID: 27666373). To our knowledge, functional studies have not been reported for this variant. This variant has not been reported in individuals affected with MYH11-related disorders in the literature. This variant has not been identified in the general population by the Genome Aggregation Database (gnomAD). The available evidence is insufficient to determine the role of this variant in disease conclusively. Therefore, this variant is classified as a Variant of Uncertain Significance.

This study involves interpretation of variants in research participants for the purpose of population health screening. Participant phenotype was not available at the time of variant classification. Additional details can be found in publication PMID: 35346344, PMCID: PMC8962531

Color Diagnostics, LLC DBA Color Health
Classification: Uncertain significance for Familial thoracic aortic aneurysm and aortic dissection. Last evaluated: 2024-03-19. Review status: criteria provided, single submitter. Criteria: ACMG Guidelines, 2015. Collection method: clinical testing. Allele origin: germline.
Comment: This missense variant replaces histidine with arginine at codon 202 of the MYH11 protein. Computational prediction suggests that this variant may have deleterious impact on protein structure and function (internally defined REVEL score threshold >= 0.7, PMID: 27666373). To our knowledge, functional studies have not been reported for this variant. This variant has not been reported in individuals affected with MYH11-related disorders in the literature. This variant has not been identified in the general population by the Genome Aggregation Database (gnomAD). The available evidence is insufficient to determine the role of this variant in disease conclusively. Therefore, this variant is classified as a Variant of Uncertain Significance.